The following is an entry in ClinVar:

ClinVar aggregate classification (germline): Uncertain significance (1 of 4 stars; one submission).

Conditions:
Inborn genetic diseases. Identifiers: MedGen C0950123, MeSH D030342.

Submission:

Ambry Genetics
Classification: Uncertain significance for Inborn genetic diseases. Last evaluated: 2025-11-02. Review status: criteria provided, single submitter. Criteria: Ambry Variant Classification Scheme 2023. Collection method: clinical testing. Allele origin: germline.
Comment: The p.A115P variant (also known as c.343G>C), located in coding exon 1 of the WT1 gene, results from a G to C substitution at nucleotide position 343. The alanine at codon 115 is replaced by proline, an amino acid with highly similar properties. This amino acid position is conserved. In addition, this alteration is predicted to be tolerated by in silico analysis. Based on the available evidence, the clinical significance of this variant remains unclear.

NM_024426.6(WT1):c.358G>C (p.Ala120Pro)

Genes: WT1 (WT1 transcription factor; minus strand), LOC107982234 (WT1/WT1-AS bi-directional promoter region; plus strand). Cytogenetic location: 11p13.
Variant type: single nucleotide variant.
Coding change: c.358G>C on transcript NM_024426.6 (MANE Select); coding-DNA position 358, G replaced by C.
Protein change: p.Ala120Pro; replaces alanine 120 with proline.
Molecular consequence: missense variant. On other transcripts: non-coding transcript variant (2).
Genome position (GRCh38, 1-based): chr11:32,435,003, C>G on the plus strand (G>C on the coding strand, the complement: WT1 is on the minus strand). VCF-style: chr11-32435003-C-G. GRCh37 (hg19) VCF-style: chr11-32456549-C-G.
Other names: c.358G>C, p.Ala120Pro (NM_000378.6, NM_001407044.1, NM_001407045.1 and 6 more transcripts); c.139G>C, p.Ala47Pro (NM_001429031.1, NM_001429032.1, NM_001429033.1 and 1 more transcripts); short protein forms A120P, A115P, A47P.
Identifiers: ClinVar variation 4634865 (VCV004634865.1).